The following is an entry in ClinVar:

ClinVar aggregate classification (germline): Pathogenic (1 of 4 stars; one submission).

Allele frequency attached by ClinVar (database versions not stated): gnomAD exomes below 0.00001; TOPMed 0.00002.

Submission:

Labcorp Genetics (formerly Invitae), Labcorp
Classification: Pathogenic. Last evaluated: 2025-04-02. Review status: criteria provided, single submitter. Criteria: Invitae Variant Classification Sherloc (09022015). Collection method: clinical testing. Allele origin: germline.
Comment: This sequence change creates a premature translational stop signal (p.Arg3665*) in the FAT1 gene. It is expected to result in an absent or disrupted protein product. Loss-of-function variants in FAT1 are known to be pathogenic (PMID: 30862798). This variant is present in population databases (no rsID available, gnomAD 0.0009%). This variant has not been reported in the literature in individuals affected with FAT1-related conditions. ClinVar contains an entry for this variant (Variation ID: 2875385). For these reasons, this variant has been classified as Pathogenic.

Literature cited by the submitters: PubMed 30862798.

NM_005245.4(FAT1):c.10993C>T (p.Arg3665Ter)

Genes: FAT1 (FAT atypical cadherin 1; minus strand), LOC126807254 (BRD4-independent group 4 enhancer GRCh37_chr4:187524269-187525468; plus strand). Cytogenetic location: 4q35.2.
Variant type: single nucleotide variant.
Coding change: c.10993C>T on transcript NM_005245.4 (MANE Select); coding-DNA position 10993, C replaced by T.
Protein change: p.Arg3665Ter; replaces arginine 3665 with a stop codon.
Molecular consequence: nonsense.
Genome position (GRCh38, 1-based): chr4:186,603,533, G>A on the plus strand (C>T on the coding strand, the complement: FAT1 is on the minus strand). VCF-style: chr4-186603533-G-A. GRCh37 (hg19) VCF-style: chr4-187524687-G-A.
Other names: short protein forms R3665*.
Identifiers: ClinVar variation 2875385 (VCV002875385.3), dbSNP rs928653182, ClinGen allele CA112157211.